The following is an entry in ClinVar:

ClinVar aggregate classification (germline): Uncertain significance (1 of 4 stars; one submission).

gnomAD v4.1: 5 of 1,551,222 alleles (0.00032%); highest among the groups gnomAD compares: Non-Finnish European, 0.00044%; no homozygotes.

Submission:

Labcorp Genetics (formerly Invitae), Labcorp
Classification: Uncertain significance. Last evaluated: 2025-02-20. Review status: criteria provided, single submitter. Criteria: Invitae Variant Classification Sherloc (09022015). Collection method: clinical testing. Allele origin: germline.
Comment: This sequence change replaces arginine, which is basic and polar, with leucine, which is neutral and non-polar, at codon 723 of the GREB1L protein (p.Arg723Leu). This variant is not present in population databases (gnomAD no frequency). This variant has not been reported in the literature in individuals affected with GREB1L-related conditions. An algorithm developed to predict the effect of missense changes on protein structure and function (PolyPhen-2) suggests that this variant is likely to be disruptive. In summary, the available evidence is currently insufficient to determine the role of this variant in disease. Therefore, it has been classified as a Variant of Uncertain Significance.

NM_001142966.3(GREB1L):c.2168G>T (p.Arg723Leu)

Gene: GREB1L (GREB1 like retinoic acid receptor coactivator; plus strand). Cytogenetic location: 18q11.1.
Variant type: single nucleotide variant.
Coding change: c.2168G>T on transcript NM_001142966.3 (MANE Select); coding-DNA position 2168, G replaced by T.
Protein change: p.Arg723Leu; replaces arginine 723 with leucine.
Molecular consequence: missense variant.
Genome position (GRCh38, 1-based): chr18:21,454,549, G>T. VCF-style: chr18-21454549-G-T. GRCh37 (hg19) VCF-style: chr18-19034510-G-T.
Other names: c.2297G>T, p.Arg766Leu (NM_001410867.1); c.1841G>T, p.Arg614Leu (NM_001410868.1); short protein forms R614L, R723L, R766L.
Identifiers: ClinVar variation 3626510 (VCV003626510.2).